The following is an entry in ClinVar:

NM_000545.8(HNF1A):c.714-3del

Gene: HNF1A (HNF1 homeobox A; plus strand). Cytogenetic location: 12q24.31.
Variant type: Deletion.
Coding change: c.714-3del on transcript NM_000545.8 (MANE Select); 3 bases into the intron before coding-DNA position 714, one base deleted (C; older notation c.714-3delC).
Molecular consequence: intron variant.
Genome position (GRCh38, 1-based): chr12:120,994,161, C deleted. VCF-style (leftmost placement, unchanged base first): chr12-120994160-GC-G. GRCh37 (hg19) VCF-style: chr12-121431963-GC-G.
Other names: c.714-3del (NM_001306179.2, NM_001406915.1).
Identifiers: ClinVar variation 2714000 (VCV002714000.3), dbSNP rs2499996864, ClinGen allele CA2697551554.

ClinVar aggregate classification (germline): Uncertain significance (1 of 4 stars; one submission).

Submission:

Labcorp Genetics (formerly Invitae), Labcorp
Classification: Uncertain significance. Last evaluated: 2024-01-29. Review status: criteria provided, single submitter. Criteria: Invitae Variant Classification Sherloc (09022015). Collection method: clinical testing. Allele origin: germline.
Comment: This sequence change falls in intron 3 of the HNF1A gene. It does not directly change the encoded amino acid sequence of the HNF1A protein. It affects a nucleotide within the consensus splice site. This variant is not present in population databases (gnomAD no frequency). This variant has not been reported in the literature in individuals affected with HNF1A-related conditions. Variants that disrupt the consensus splice site are a relatively common cause of aberrant splicing (PMID: 17576681, 9536098). Algorithms developed to predict the effect of sequence changes on RNA splicing suggest that this variant may disrupt the consensus splice site. In summary, the available evidence is currently insufficient to determine the role of this variant in disease. Therefore, it has been classified as a Variant of Uncertain Significance.

Literature cited by the submitters: PubMed 17576681; PubMed 9536098.